The following is an entry in ClinVar:

ClinVar aggregate classification (germline): Pathogenic (1 of 4 stars; one submission).

gnomAD v4.1: 12 of 1,610,602 alleles (0.00075%); highest among the groups gnomAD compares: Non-Finnish European, 0.001%; no homozygotes.

Submission:

Labcorp Genetics (formerly Invitae), Labcorp
Classification: Pathogenic. Last evaluated: 2025-06-12. Review status: criteria provided, single submitter. Criteria: Invitae Variant Classification Sherloc (09022015). Collection method: clinical testing. Allele origin: germline.
Comment: This sequence change replaces glutamic acid, which is acidic and polar, with glycine, which is neutral and non-polar, at codon 132 of the SGPL1 protein (p.Glu132Gly). RNA analysis indicates that this missense change induces altered splicing and may result in an absent or altered protein product. This variant is present in population databases (no rsID available, gnomAD 0.0009%). This missense change has been observed in individual(s) with syndromic steroid-resistant nephrotic syndrome (PMID: 28165339). In at least one individual the data is consistent with being in trans (on the opposite chromosome) from a pathogenic variant. It has also been observed to segregate with disease in related individuals. Invitae Evidence Modeling of protein sequence and biophysical properties (such as structural, functional, and spatial information, amino acid conservation, physicochemical variation, residue mobility, and thermodynamic stability) indicates that this missense variant is not expected to disrupt SGPL1 protein function with a negative predictive value of 80%. Studies have shown that this missense change results in skipping of exon 5, and produces a non-functional protein and/or introduces a premature termination codon (PMID: 28165339). For these reasons, this variant has been classified as Pathogenic.

Literature cited by the submitters: PubMed 28165339.

NM_003901.4(SGPL1):c.395A>G (p.Glu132Gly)

Gene: SGPL1 (sphingosine-1-phosphate lyase 1; plus strand). Cytogenetic location: 10q22.1.
Variant type: single nucleotide variant.
Coding change: c.395A>G on transcript NM_003901.4 (MANE Select); coding-DNA position 395, A replaced by G.
Protein change: p.Glu132Gly; replaces glutamic acid 132 with glycine.
Molecular consequence: missense variant. On other transcripts: non-coding transcript variant (1).
Genome position (GRCh38, 1-based): chr10:70,854,841, A>G. VCF-style: chr10-70854841-A-G. GRCh37 (hg19) VCF-style: chr10-72614598-A-G.
Other names: c.155A>G, p.Glu52Gly (NM_001437828.1); c.395A>G, p.Glu132Gly (NM_001438353.1, NM_001438354.1, NM_001438355.1 and 2 more transcripts); short protein forms E52G, E132G.
Identifiers: ClinVar variation 4709730 (VCV004709730.1).
Genomic context (GRCh38, chr10:70,854,841, plus strand): 5'-ATGTGAAAGCTTTACCCTCCCAGGGTCTGAGCTCATCTGCTGTTTTGGAGAAACTTAAGG[A>G]GTACAGCTCTATGGGTATGATGCTTGGCATATACATGCTCTCTACTTCCTTAAAGAGACA-3'
Protein context (NP_003892.2, residues 122-142): SSSAVLEKLK[Glu132Gly]YSSMDAFWQE